The following is an entry in ClinVar:

NM_001376.5(DYNC1H1):c.2752G>A (p.Gly918Ser)

Gene: DYNC1H1 (dynein cytoplasmic 1 heavy chain 1; plus strand). Cytogenetic location: 14q32.31.
Variant type: single nucleotide variant.
Coding change: c.2752G>A on transcript NM_001376.5 (MANE Select); coding-DNA position 2752, G replaced by A.
Protein change: p.Gly918Ser; replaces glycine 918 with serine.
Molecular consequence: missense variant.
Genome position (GRCh38, 1-based): chr14:101,988,736, G>A. VCF-style: chr14-101988736-G-A. GRCh37 (hg19) VCF-style: chr14-102455073-G-A.
Other names: short protein forms G918S.
Identifiers: ClinVar variation 3378236 (VCV003378236.1).
Genomic context (GRCh38, chr14:101,988,736, plus strand): 5'-TGTTCTCTGATATAACGTTGTCTGTAGATTGAAAGAATATTGGGCGTCCGTCTGCAAGCT[G>A]GCCTGAGAGCTTGGACGCAGGTTCTTCTTGGACAAGCTGAAGATAAAGCAGAAGTTGACA-3'
Protein context (NP_001367.2, residues 908-928): ERILGVRLQA[Gly918Ser]LRAWTQVLLG

ClinVar aggregate classification (germline): Uncertain significance (1 of 4 stars; one submission).

Submission:

GeneDx
Classification: Uncertain significance. Last evaluated: 2024-05-12. Review status: criteria provided, single submitter. Criteria: GeneDx Variant Classification Process June 2021. Collection method: clinical testing. Allele origin: germline. Affected: yes.
Comment: Not observed at significant frequency in large population cohorts (gnomAD); In silico analysis supports that this missense variant has a deleterious effect on protein structure/function; Has not been previously published as pathogenic or benign to our knowledge; This variant is associated with the following publications: (PMID: 25512093, 25609763, 26100331)